The following is an entry in ClinVar:

ClinVar aggregate classification (germline): Conflicting classifications of pathogenicity. Review status: criteria provided, conflicting classifications (1 of 4 stars). 2 submissions from 2 submitters: Uncertain significance (1); Likely benign (1). Last evaluated 2024-01-18.

Conditions:
Hereditary breast ovarian cancer syndrome. Also called: Hereditary breast and ovarian cancer; Hereditary breast and ovarian cancer syndrome; Breast and ovarian cancer; BRCA1- and BRCA2-Associated Hereditary Breast and Ovarian Cancer; Hereditary breast and ovarian cancer syndrome (HBOC); Hereditary breast and/or ovarian cancer syndrome. Identifiers: Orphanet 145, MedGen C0677776, MeSH D061325, MONDO:0003582. Disease mechanism: loss of function.

Allele frequency attached by ClinVar (database versions not stated): ExAC 0.00001; gnomAD 0.00001; 1000 Genomes Project 0.00020; 1000 Genomes Project 30x 0.00031.
gnomAD v4.1: 2 of 1,613,786 alleles (0.00012%); highest among the groups gnomAD compares: African/African-American, 0.0027%; no homozygotes.

Submissions (2):

Institute for Biomarker Research, Medical Diagnostic Laboratories, L.L.C.
Classification: Likely benign for Hereditary breast ovarian cancer syndrome. Last evaluated: 2024-01-18. Review status: criteria provided, single submitter. Criteria: ACMG Guidelines, 2015. Collection method: clinical testing. Allele origin: germline.

Labcorp Genetics (formerly Invitae), Labcorp
Classification: Uncertain significance for Hereditary breast ovarian cancer syndrome. Last evaluated: 2023-08-11. Review status: criteria provided, single submitter. Criteria: Invitae Variant Classification Sherloc (09022015). Collection method: clinical testing. Allele origin: germline.
Comment: In summary, the available evidence is currently insufficient to determine the role of this variant in disease. Therefore, it has been classified as a Variant of Uncertain Significance. Algorithms developed to predict the effect of sequence changes on RNA splicing suggest that this variant may create or strengthen a splice site. This variant has not been reported in the literature in individuals affected with BRCA2-related conditions. This variant is present in population databases (rs81002890, gnomAD 0.007%). This sequence change falls in intron 23 of the BRCA2 gene. It does not directly change the encoded amino acid sequence of the BRCA2 protein.

NM_000059.4(BRCA2):c.9118-6C>A

Gene: BRCA2 (BRCA2 DNA repair associated; plus strand). Cytogenetic location: 13q13.1.
Variant type: single nucleotide variant.
Coding change: c.9118-6C>A on transcript NM_000059.4 (MANE Select); 6 bases into the intron before coding-DNA position 9118, C replaced by A.
Molecular consequence: intron variant.
Genome position (GRCh38, 1-based): chr13:32,380,001, C>A. VCF-style: chr13-32380001-C-A. GRCh37 (hg19) VCF-style: chr13-32954138-C-A.
Other names: c.9067-6C>A (NM_001406720.1); c.9022-6C>A (NM_001406719.1); c.4186-6C>A (NM_001406721.1); c.2701-6C>A (NM_001406722.1).
Identifiers: ClinVar variation 2751828 (VCV002751828.4), dbSNP rs81002890, ClinGen allele CA6941345.